The following is an entry in ClinVar:

ClinVar aggregate classification (germline): Uncertain significance (1 of 4 stars; one submission).

Allele frequency attached by ClinVar (database versions not stated): gnomAD exomes below 0.00001; TOPMed 0.00001.
gnomAD v4.1: 3 of 1,614,002 alleles (0.00019%); highest among the groups gnomAD compares: East Asian, 0.0022%; no homozygotes.

Submission:

Labcorp Genetics (formerly Invitae), Labcorp
Classification: Uncertain significance. Last evaluated: 2022-05-15. Review status: criteria provided, single submitter. Criteria: Invitae Variant Classification Sherloc (09022015). Collection method: clinical testing. Allele origin: germline.
Comment: This sequence change replaces leucine, which is neutral and non-polar, with serine, which is neutral and polar, at codon 163 of the TPP1 protein (p.Leu163Ser). This variant is not present in population databases (gnomAD no frequency). This variant has not been reported in the literature in individuals affected with TPP1-related conditions. Advanced modeling of protein sequence and biophysical properties (such as structural, functional, and spatial information, amino acid conservation, physicochemical variation, residue mobility, and thermodynamic stability) performed at Invitae indicates that this missense variant is expected to disrupt TPP1 protein function. In summary, the available evidence is currently insufficient to determine the role of this variant in disease. Therefore, it has been classified as a Variant of Uncertain Significance.

NM_000391.4(TPP1):c.488T>C (p.Leu163Ser)

Gene: TPP1 (tripeptidyl peptidase 1; minus strand). Cytogenetic location: 11p15.4.
Variant type: single nucleotide variant.
Coding change: c.488T>C on transcript NM_000391.4 (MANE Select); coding-DNA position 488, T replaced by C.
Protein change: p.Leu163Ser; replaces leucine 163 with serine.
Molecular consequence: missense variant.
Genome position (GRCh38, 1-based): chr11:6,617,321, A>G on the plus strand (T>C on the coding strand, the complement: TPP1 is on the minus strand). VCF-style: chr11-6617321-A-G. GRCh37 (hg19) VCF-style: chr11-6638552-A-G.
Other names: short protein forms L163S.
Identifiers: ClinVar variation 1994696 (VCV001994696.1), dbSNP rs986709245, ClinGen allele CA217323892.